The following is an entry in ClinVar:

NM_178452.6(DNAAF1):c.58C>T (p.Gln20Ter)

Gene: DNAAF1 (dynein axonemal assembly factor 1; plus strand). Cytogenetic location: 16q24.1.
Variant type: single nucleotide variant.
Coding change: c.58C>T on transcript NM_178452.6 (MANE Select); coding-DNA position 58, C replaced by T.
Protein change: p.Gln20Ter; replaces glutamine 20 with a stop codon.
Molecular consequence: nonsense.
Genome position (GRCh38, 1-based): chr16:84,145,498, C>T. VCF-style: chr16-84145498-C-T. GRCh37 (hg19) VCF-style: chr16-84179103-C-T.
Other names: short protein forms Q20*.
Identifiers: ClinVar variation 2166548 (VCV002166548.4), dbSNP rs2086855300, ClinGen allele CA396938028.
Genomic context (GRCh38, chr16:84,145,498, plus strand): 5'-AACATGCACCCTGAGCCCTCGGAGCCTGCGACAGGTGGTGCAGCAGAGCTGGATTGCGCG[C>T]AGGAGCCCGGCGTGGAGGAGTCTGCGGGTGACCACGGGAGCGCAGGCCGAGGGGGCTGCA-3'

ClinVar aggregate classification (germline): Pathogenic (1 of 4 stars; one submission).

Conditions:
Primary ciliary dyskinesia. Also called: Ciliary dyskinesia. Identifiers: Orphanet 244, MedGen C0008780, MONDO:0016575, HP:0012265.

Allele frequency attached by ClinVar (database versions not stated): gnomAD 0.00001.
gnomAD v4.1: 2 of 1,567,308 alleles (0.00013%); highest among the groups gnomAD compares: African/African-American, 0.0027%; no homozygotes.

Submission:

Labcorp Genetics (formerly Invitae), Labcorp
Classification: Pathogenic for Primary ciliary dyskinesia. Last evaluated: 2025-02-23. Review status: criteria provided, single submitter. Criteria: Invitae Variant Classification Sherloc (09022015). Collection method: clinical testing. Allele origin: germline.
Comment: This sequence change creates a premature translational stop signal (p.Gln20*) in the DNAAF1 gene. It is expected to result in an absent or disrupted protein product. Loss-of-function variants in DNAAF1 are known to be pathogenic (PMID: 19944400, 19944405). This variant is not present in population databases (gnomAD no frequency). This variant has not been reported in the literature in individuals affected with DNAAF1-related conditions. ClinVar contains an entry for this variant (Variation ID: 2166548). For these reasons, this variant has been classified as Pathogenic.

Literature cited by the submitters: PubMed 19944400; PubMed 19944405.